The following is an entry in ClinVar:

ClinVar aggregate classification (germline): Benign/Likely benign. Review status: criteria provided, multiple submitters, no conflicts (2 of 4 stars). 6 submissions from 6 submitters: Benign (4); Likely benign (2). Last evaluated 2026-09-01.

Conditions:
SYNE2-related disorder. Also called: SYNE2-related condition.
Emery-Dreifuss muscular dystrophy 5, autosomal dominant (EDMD5). Also called: EMERY-DREIFUSS MUSCULAR DYSTROPHY 5. Identifiers: Orphanet 261, MedGen C2751805, MONDO:0013072, OMIM 612999.

Allele frequency attached by ClinVar (database versions not stated): 1000 Genomes Project 0.00200; 1000 Genomes Project 30x 0.00203; TOPMed 0.00268; ESP Exome Variant Server 0.00292; gnomAD 0.00316 and 0.00319; gnomAD exomes 0.00356; ExAC 0.00369.
gnomAD v4.1: 6,486 of 1,614,176 alleles (0.4%); highest among the groups gnomAD compares: Middle Eastern, 0.94%; 24 homozygotes.

Submissions (6):

CeGaT Center for Human Genetics Tuebingen
Classification: Likely benign. Last evaluated: 2026-09-01. Review status: criteria provided, single submitter. Criteria: CeGaT Center For Human Genetics Tuebingen Variant Classification Criteria Version 2. Collection method: clinical testing. Allele origin: germline. Affected: yes. Observed: 12 variant alleles.
Comment: SYNE2: BP4, BP7, BS2

Labcorp Genetics (formerly Invitae), Labcorp
Classification: Benign for Emery-Dreifuss muscular dystrophy 5, autosomal dominant. Last evaluated: 2026-01-14. Review status: criteria provided, single submitter. Criteria: Invitae Variant Classification Sherloc (09022015). Collection method: clinical testing. Allele origin: germline.

PreventionGenetics, part of Exact Sciences
Classification: Likely benign for SYNE2-related condition. Last evaluated: 2025-01-23. Review status: criteria provided, single submitter. Criteria: ACMG Guidelines, 2015. Collection method: clinical testing. Allele origin: germline.
Comment: This variant is classified as likely benign based on ACMG/AMP sequence variant interpretation guidelines (Richards et al. 2015 PMID: 25741868, with internal and published modifications).

Illumina Laboratory Services, Illumina
Classification: Benign for Emery-Dreifuss muscular dystrophy 5, autosomal dominant. Last evaluated: 2018-01-12. Review status: criteria provided, single submitter. Criteria: ICSL Variant Classification Criteria 13 December 2019. Collection method: clinical testing. Allele origin: germline.
Comment: This variant was observed in the ICSL laboratory as part of a predisposition screen in an ostensibly healthy population. It had not been previously curated by ICSL or reported in the Human Gene Mutation Database (HGMD: prior to June 1st, 2018), and was therefore a candidate for classification through an automated scoring system. Utilizing variant allele frequency, disease prevalence and penetrance estimates, and inheritance mode, an automated score was calculated to assess if this variant is too frequent to cause the disease. Based on the score and internal cut-off values, a variant classified as benign is not then subjected to further curation. The score for this variant resulted in a classification of benign for this disease.

Eurofins Ntd Llc (ga)
Classification: Benign. Last evaluated: 2015-08-17. Review status: criteria provided, single submitter. Criteria: EGL Classification Definitions 2015. Collection method: clinical testing. Allele origin: germline. Observed: 2 variant alleles, 2 heterozygotes.

Breakthrough Genomics
Classification: Benign. Review status: criteria provided, single submitter. Criteria: ACMG Guidelines, 2015. Collection method: not provided. Allele origin: germline. Inheritance: Autosomal dominant inheritance. Affected: yes.

NM_182914.3(SYNE2):c.11379T>C (p.Leu3793=)

Gene: SYNE2 (spectrin repeat containing nuclear envelope protein 2; plus strand). Cytogenetic location: 14q23.2.
Variant type: single nucleotide variant.
Coding change: c.11379T>C on transcript NM_182914.3 (MANE Select); coding-DNA position 11379, T replaced by C.
Protein change: p.Leu3793=; no amino-acid change (leucine 3793 retained).
Molecular consequence: synonymous variant.
Genome position (GRCh38, 1-based): chr14:64,081,475, T>C. VCF-style: chr14-64081475-T-C. GRCh37 (hg19) VCF-style: chr14-64548193-T-C.
Other names: c.11379T>C, p.Leu3793= (NM_015180.6).
Identifiers: ClinVar variation 282477 (VCV000282477.44), dbSNP rs149391344, ClinGen allele CA7221770.
Genomic context (GRCh38, chr14:64,081,475, plus strand): 5'-TAAGTTTGGTCCTGCATCTCTTTCCCAGGCCACAGTTAAGATGGAGGAATATAGTGACCT[T>C]CTGAAGAGCACTGAGGCTTGGATAGAAAATACCAGTCATTTGCTGGCCAATCCTGCTGAC-3'
Protein context (NP_878918.2, residues 3783-3803): ATVKMEEYSD[Leu3793=]LKSTEAWIEN